The following is an entry in ClinVar:

NM_001330260.2(SCN8A):c.5156_5157del (p.Pro1719fs)

Gene: SCN8A (sodium voltage-gated channel alpha subunit 8; plus strand). Cytogenetic location: 12q13.13.
Variant type: Deletion.
Coding change: c.5156_5157del on transcript NM_001330260.2 (MANE Select); coding-DNA positions 5156 to 5157, 2 bases deleted (CT; older notation c.5156_5157delCT).
Protein change: p.Pro1719fs; shifts the reading frame from proline 1719.
Molecular consequence: frameshift variant.
Genome position (GRCh38, 1-based): chr12:51,806,642-51,806,643, CT deleted. VCF-style (leftmost placement, unchanged base first): chr12-51806641-CCT-C. GRCh37 (hg19) VCF-style: chr12-52200425-CCT-C.
Other names: c.5033_5034del, p.Pro1678fs (NM_001177984.3, NM_001369788.1); c.5156_5157del, p.Pro1719fs (NM_014191.4); short protein forms P1678fs, P1719fs.
Identifiers: ClinVar variation 8912 (VCV000008912.2), dbSNP rs587776703, ClinGen allele CA119993.
Genomic context (GRCh38, chr12:51,806,641, plus strand): 5'-TTTCAAATCACAACCTCAGCTGGTTGGGATGGCCTGCTGCTGCCCATCCTAAACCGCCCC[CCT>C]GACTGCAGCCTAGATAAGGAACACCCAGGGAGTGGCTTTAAGGGAGATTGTGGGAACCCC-3'

ClinVar aggregate classification (germline): Uncertain significance. Review status: criteria provided, single submitter (1 of 4 stars). 2 submissions from 2 submitters: Uncertain significance (1). 1 of the submissions does not count toward it. Last evaluated 2023-09-14.

Conditions:
Cognitive impairment with or without cerebellar ataxia (CIAT). Identifiers: MedGen C3280415, MONDO:0013680, OMIM 614306.

Allele frequency attached by ClinVar (database versions not stated): TOPMed below 0.00001; gnomAD 0.00001.

Submissions (2):

GeneDx
Classification: Uncertain significance. Last evaluated: 2023-09-14. Review status: criteria provided, single submitter. Criteria: GeneDx Variant Classification Process June 2021. Collection method: clinical testing. Allele origin: germline. Affected: yes.
Comment: Frameshift variant predicted to result in protein truncation, as the last 262 amino acids are replaced with 5 different amino acids, and other loss-of-function variants have been reported downstream in HGMD; This variant is associated with the following publications: (PMID: 16236810)

OMIM
Classification: Pathogenic for COGNITIVE IMPAIRMENT WITH OR WITHOUT CEREBELLAR ATAXIA. Last evaluated: 2006-06-01. Review status: no assertion criteria provided. Collection method: literature only. Allele origin: germline. Not counted in ClinVar's aggregate classification.

Literature cited by the submitters: PubMed 16236810 (cited by OMIM).